The following is an entry in ClinVar:

ClinVar aggregate classification (germline): Uncertain significance (1 of 4 stars; one submission).

Submission:

Labcorp Genetics (formerly Invitae), Labcorp
Classification: Uncertain significance. Last evaluated: 2022-05-12. Review status: criteria provided, single submitter. Criteria: Invitae Variant Classification Sherloc (09022015). Collection method: clinical testing. Allele origin: germline.
Comment: In summary, the available evidence is currently insufficient to determine the role of this variant in disease. Therefore, it has been classified as a Variant of Uncertain Significance. This variant has not been reported in the literature in individuals affected with IRF2BP2-related conditions. This variant is not present in population databases (gnomAD no frequency). This sequence change creates a premature translational stop signal (p.Gln144*) in the IRF2BP2 gene. It is expected to result in an absent or disrupted protein product. However, the current clinical and genetic evidence is not sufficient to establish whether loss-of-function variants in IRF2BP2 cause disease.

NM_182972.3(IRF2BP2):c.430C>T (p.Gln144Ter)

Genes: IRF2BP2 (interferon regulatory factor 2 binding protein 2; minus strand), LOC129932812 (ATAC-STARR-seq lymphoblastoid silent region 1977; plus strand). Cytogenetic location: 1q42.3.
Variant type: single nucleotide variant.
Coding change: c.430C>T on transcript NM_182972.3 (MANE Select); coding-DNA position 430, C replaced by T.
Protein change: p.Gln144Ter; replaces glutamine 144 with a stop codon.
Molecular consequence: nonsense.
Genome position (GRCh38, 1-based): chr1:234,609,065, G>A on the plus strand (C>T on the coding strand, the complement: IRF2BP2 is on the minus strand). VCF-style: chr1-234609065-G-A. GRCh37 (hg19) VCF-style: chr1-234744811-G-A.
Other names: c.430C>T, p.Gln144Ter (NM_001077397.1); short protein forms Q144*.
Identifiers: ClinVar variation 2110416 (VCV002110416.4), dbSNP rs2528521973, ClinGen allele CA345310446.
Genomic context (GRCh38, chr1:234,609,065, plus strand): 5'-TGGAGAAGCCGTTGGGCACCAGGATGCCGTTCACGGGCGGCGGCTGCGGCGTCGGCGGCT[G>A]GGCCAGGCTCGCTGCCGGGCGGCTGCTGCCGAAGTCAGAGCCGAGGCGCGGGGGCCTCTC-3'